The following is an entry in ClinVar:

ClinVar aggregate classification (germline): Likely benign. Review status: criteria provided, multiple submitters, no conflicts (2 of 4 stars). 5 submissions from 5 submitters: Likely benign (4). 1 of the submissions does not count toward it. Last evaluated 2026-01-06.

Conditions:
DNAH9-related disorder. Also called: DNAH9-related condition.

Allele frequency attached by ClinVar (database versions not stated): 1000 Genomes Project 30x 0.00062; 1000 Genomes Project 0.00080; gnomAD exomes 0.00114 and 0.00175; ExAC 0.00116; TOPMed 0.00116; gnomAD 0.00120 and 0.00121; ESP Exome Variant Server 0.00208.
gnomAD v4.1: 2,753 of 1,613,962 alleles (0.17%); highest among the groups gnomAD compares: Non-Finnish European, 0.2%; 8 homozygotes.

Submissions (5):

Labcorp Genetics (formerly Invitae), Labcorp
Classification: Likely benign. Last evaluated: 2026-01-06. Review status: criteria provided, single submitter. Criteria: Invitae Variant Classification Sherloc (09022015). Collection method: clinical testing. Allele origin: germline.

CeGaT Center for Human Genetics Tuebingen
Classification: Likely benign. Last evaluated: 2025-11-01. Review status: criteria provided, single submitter. Criteria: CeGaT Center For Human Genetics Tuebingen Variant Classification Criteria Version 2. Collection method: clinical testing. Allele origin: germline. Affected: yes. Observed: 2 variant alleles.
Comment: DNAH9: BP4, BP7

Mayo Clinic Laboratories, Mayo Clinic
Classification: Likely benign. Last evaluated: 2025-02-26. Review status: criteria provided, single submitter. Criteria: ACMG Guidelines, 2015. Collection method: clinical testing. Allele origin: germline. Observed: 1 variant allele.
Comment: BS1, BP4, BP7

Blueprint Genetics
Classification: Likely benign. Last evaluated: 2024-11-27. Review status: criteria provided, single submitter. Criteria: ACMG Guidelines, 2015. Collection method: clinical testing. Allele origin: germline.

PreventionGenetics, part of Exact Sciences
Classification: Likely benign for DNAH9-related condition. Last evaluated: 2019-10-28. Review status: no assertion criteria provided. Collection method: clinical testing. Allele origin: germline. Not counted in ClinVar's aggregate classification.
Comment: This variant is classified as likely benign based on ACMG/AMP sequence variant interpretation guidelines (Richards et al. 2015 PMID: 25741868, with internal and published modifications).

NM_001372.4(DNAH9):c.2013A>G (p.Ser671=)

Gene: DNAH9 (dynein axonemal heavy chain 9; plus strand). Cytogenetic location: 17p12.
Variant type: single nucleotide variant.
Coding change: c.2013A>G on transcript NM_001372.4 (MANE Select); coding-DNA position 2013, A replaced by G.
Protein change: p.Ser671=; no amino-acid change (serine 671 retained).
Molecular consequence: synonymous variant.
Genome position (GRCh38, 1-based): chr17:11,647,114, A>G. VCF-style: chr17-11647114-A-G. GRCh37 (hg19) VCF-style: chr17-11550431-A-G.
Other names: p.Ser671=; c.2013A>G (NM_001372.3).
Identifiers: ClinVar variation 1576800 (VCV001576800.26), dbSNP rs141159135, ClinGen allele CA8395067.